The following is an entry in ClinVar:

NM_006904.7(PRKDC):c.3376C>G (p.Gln1126Glu)

Gene: PRKDC (protein kinase, DNA-activated, catalytic subunit; minus strand). Cytogenetic location: 8q11.21.
Variant type: single nucleotide variant.
Coding change: c.3376C>G on transcript NM_006904.7 (MANE Select); coding-DNA position 3376, C replaced by G.
Protein change: p.Gln1126Glu; replaces glutamine 1126 with glutamic acid.
Molecular consequence: missense variant.
Genome position (GRCh38, 1-based): chr8:47,898,558, G>C on the plus strand (C>G on the coding strand, the complement: PRKDC is on the minus strand). VCF-style: chr8-47898558-G-C. GRCh37 (hg19) VCF-style: chr8-48811118-G-C.
Other names: c.3376C>G, p.Gln1126Glu (NM_001081640.2); short protein forms Q1126E.
Identifiers: ClinVar variation 1730771 (VCV001730771.2), dbSNP rs2551874984, ClinGen allele CA371154869.

ClinVar aggregate classification (germline): Uncertain significance (1 of 4 stars; one submission).

Submission:

Ambry Genetics
Classification: Uncertain significance. Last evaluated: 2022-06-24. Review status: criteria provided, single submitter. Criteria: Ambry Variant Classification Scheme 2023. Collection method: clinical testing. Allele origin: germline.
Comment: The p.Q1126E variant (also known as c.3376C>G), located in coding exon 29 of the PRKDC gene, results from a C to G substitution at nucleotide position 3376. The glutamine at codon 1126 is replaced by glutamic acid, an amino acid with highly similar properties. This amino acid position is conserved. In addition, the in silico prediction for this alteration is inconclusive. Since supporting evidence is limited at this time, the clinical significance of this alteration remains unclear.